The following is an entry in ClinVar:

ClinVar aggregate classification (germline): Uncertain significance. Review status: criteria provided, multiple submitters, no conflicts (2 of 4 stars). 3 submissions from 3 submitters: Uncertain significance (3). Last evaluated 2025-03-02.

Conditions:
Hereditary cancer-predisposing syndrome. Also called: Tumor predisposition; Neoplastic Syndromes, Hereditary; Hereditary Cancer Syndrome; Hereditary neoplastic syndrome. Identifiers: Orphanet 140162, MedGen C0027672, MeSH D009386, MONDO:0015356.
Fanconi anemia complementation group J. Also called: BRIP1-Related Fanconi Anemia. Identifiers: Orphanet 84, MedGen C1836860, MONDO:0012187, OMIM 609054.
Familial cancer of breast. Also called: BREAST CANCER, FAMILIAL; Hereditary breast cancer; hereditary breast carcinoma. Identifiers: Orphanet 227535, MedGen C0346153, MONDO:0016419, OMIM 114480. Disease mechanism: loss of function.

Allele frequency attached by ClinVar (database versions not stated): gnomAD exomes below 0.00001; ExAC 0.00001; gnomAD 0.00001; TOPMed 0.00001.

Submissions (3):

Labcorp Genetics (formerly Invitae), Labcorp
Classification: Uncertain significance for Familial cancer of breast; Fanconi anemia complementation group J. Last evaluated: 2025-03-02. Review status: criteria provided, single submitter. Criteria: Invitae Variant Classification Sherloc (09022015). Collection method: clinical testing. Allele origin: germline.
Comment: This sequence change replaces leucine, which is neutral and non-polar, with phenylalanine, which is neutral and non-polar, at codon 33 of the BRIP1 protein (p.Leu33Phe). This variant is present in population databases (rs772319724, gnomAD 0.01%). This variant has not been reported in the literature in individuals affected with BRIP1-related conditions. ClinVar contains an entry for this variant (Variation ID: 479456). Invitae Evidence Modeling of protein sequence and biophysical properties (such as structural, functional, and spatial information, amino acid conservation, physicochemical variation, residue mobility, and thermodynamic stability) indicates that this missense variant is not expected to disrupt BRIP1 protein function with a negative predictive value of 95%. In summary, the available evidence is currently insufficient to determine the role of this variant in disease. Therefore, it has been classified as a Variant of Uncertain Significance.

Ambry Genetics
Classification: Uncertain significance for Hereditary cancer-predisposing syndrome. Last evaluated: 2023-08-15. Review status: criteria provided, single submitter. Criteria: Ambry Variant Classification Scheme 2023. Collection method: clinical testing. Allele origin: germline.
Comment: The p.L33F variant (also known as c.97C>T), located in coding exon 2 of the BRIP1 gene, results from a C to T substitution at nucleotide position 97. The leucine at codon 33 is replaced by phenylalanine, an amino acid with highly similar properties. This amino acid position is poorly conserved in available vertebrate species. In addition, this alteration is predicted to be tolerated by in silico analysis. Since supporting evidence is limited at this time, the clinical significance of this alteration remains unclear.

Color Diagnostics, LLC DBA Color Health
Classification: Uncertain significance for Hereditary cancer-predisposing syndrome. Last evaluated: 2022-04-05. Review status: criteria provided, single submitter. Criteria: ACMG Guidelines, 2015. Collection method: clinical testing. Allele origin: germline.
Comment: This missense variant replaces leucine with phenylalanine at codon 33 of the BRIP1 protein. Computational prediction suggests that this variant may not impact protein structure and function (internally defined REVEL score threshold <= 0.5, PMID: 27666373). To our knowledge, functional studies have not been reported for this variant. This variant has not been reported in individuals affected with hereditary cancer in the literature. This variant has been identified in 2/282716 chromosomes in the general population by the Genome Aggregation Database (gnomAD). The available evidence is insufficient to determine the role of this variant in disease conclusively. Therefore, this variant is classified as a Variant of Uncertain Significance.

NM_032043.3(BRIP1):c.97C>T (p.Leu33Phe)

Gene: BRIP1 (BRCA1 interacting DNA helicase 1; minus strand). Cytogenetic location: 17q23.2.
Variant type: single nucleotide variant.
Coding change: c.97C>T on transcript NM_032043.3 (MANE Select); coding-DNA position 97, C replaced by T.
Protein change: p.Leu33Phe; replaces leucine 33 with phenylalanine.
Molecular consequence: missense variant.
Genome position (GRCh38, 1-based): chr17:61,859,904, G>A on the plus strand (C>T on the coding strand, the complement: BRIP1 is on the minus strand). VCF-style: chr17-61859904-G-A. GRCh37 (hg19) VCF-style: chr17-59937265-G-A.
Other names: short protein forms L33F.
Identifiers: ClinVar variation 479456 (VCV000479456.18), dbSNP rs772319724, ClinGen allele CA8690994.
Genomic context (GRCh38, chr17:61,859,904, plus strand): 5'-TTTTTCCACTTCCTGTGGGACTCTCCAACAAACAATGTTGCTTGCTGTTTAATCCTCTGA[G>A]AATCTATGAACACAGAAACCAATGAAAATAATAAACATATTAACTTTATAAAGGTCTCTC-3'
Protein context (NP_114432.2, residues 23-43): PSQLAMMNSI[Leu33Phe]RGLNSKQHCL